The following is an entry in ClinVar:

ClinVar aggregate classification (germline): Uncertain significance (1 of 4 stars; one submission).

Conditions:
PKHD1-related disorder. Also called: PKHD1-related condition.

Submission:

PreventionGenetics, part of Exact Sciences
Classification: Uncertain significance for PKHD1-related condition. Last evaluated: 2025-01-11. Review status: criteria provided, single submitter. Criteria: ACMG Guidelines, 2015. Collection method: clinical testing. Allele origin: germline.
Comment: The PKHD1 c.932C>G variant is predicted to result in the amino acid substitution p.Thr311Ser. To our knowledge, this variant has not been reported in the literature or in a large population database (gnomAD), indicating this variant is rare. An alternate nucleotide change affecting the same amino acid (p.Thr311Ala) has been reported in an individual with Caroli disease (Courcet et al. 2015. PubMed ID: 26385851). At this time, the clinical significance of this variant c.932C>G (p.Thr311Ser) is uncertain due to the absence of conclusive functional and genetic evidence.

NM_138694.4(PKHD1):c.932C>G (p.Thr311Ser)

Gene: PKHD1 (PKHD1 ciliary IPT domain containing fibrocystin/polyductin; minus strand). Cytogenetic location: 6p12.2.
Variant type: single nucleotide variant.
Coding change: c.932C>G on transcript NM_138694.4 (MANE Select); coding-DNA position 932, C replaced by G.
Protein change: p.Thr311Ser; replaces threonine 311 with serine.
Molecular consequence: missense variant.
Genome position (GRCh38, 1-based): chr6:52,064,999, G>C on the plus strand (C>G on the coding strand, the complement: PKHD1 is on the minus strand). VCF-style: chr6-52064999-G-C. GRCh37 (hg19) VCF-style: chr6-51929797-G-C.
Other names: c.932C>G, p.Thr311Ser (NM_170724.3); short protein forms T311S.
Identifiers: ClinVar variation 5001683 (VCV005001683.1).
Genomic context (GRCh38, chr6:52,064,999, plus strand): 5'-CTGGTGGCTTCCTTACCTGGCTGAGGGGTGGTGAGCCTCACATCTTTTCCTGGAGCCCGA[G>C]TGGTGCACTCAATCTTCCTGGGAGACACGTGTCTAATATCACATGGAATGCCTAAAGCGA-3'
Protein context (NP_619639.3, residues 301-321): HVSPRKIECT[Thr311Ser]RAPGKDVRLT